The following is an entry in ClinVar:

NM_004655.4(AXIN2):c.1550A>T (p.His517Leu)

Gene: AXIN2 (axin 2; minus strand). Cytogenetic location: 17q24.1.
Variant type: single nucleotide variant.
Coding change: c.1550A>T on transcript NM_004655.4 (MANE Select); coding-DNA position 1550, A replaced by T.
Protein change: p.His517Leu; replaces histidine 517 with leucine.
Molecular consequence: missense variant.
Genome position (GRCh38, 1-based): chr17:65,537,486, T>A on the plus strand (A>T on the coding strand, the complement: AXIN2 is on the minus strand). VCF-style: chr17-65537486-T-A. GRCh37 (hg19) VCF-style: chr17-63533604-T-A.
Other names: c.1550A>T (NM_004655.3); c.1550A>T, p.His517Leu (NM_001363813.1); short protein forms H517L.
Identifiers: ClinVar variation 1041852 (VCV001041852.10), dbSNP rs769644525, ClinGen allele CA8718617.

ClinVar aggregate classification (germline): Uncertain significance. Review status: criteria provided, multiple submitters, no conflicts (2 of 4 stars). 2 submissions from 2 submitters: Uncertain significance (2). Last evaluated 2025-08-04.

Conditions:
Oligodontia-cancer predisposition syndrome. Also called: TOOTH AGENESIS-COLORECTAL CANCER SYNDROME. Identifiers: Orphanet 300576, MedGen C1837750, MONDO:0012075, OMIM 608615. Disease mechanism: loss of function.
Hereditary cancer-predisposing syndrome. Also called: Hereditary Cancer Syndrome; Tumor predisposition; Hereditary neoplastic syndrome; Neoplastic Syndromes, Hereditary. Identifiers: Orphanet 140162, MedGen C0027672, MeSH D009386, MONDO:0015356.

gnomAD v4.1: 2 of 1,613,668 alleles (0.00012%); highest among the groups gnomAD compares: Admixed American, 0.0033%; no homozygotes.

Submissions (2):

Labcorp Genetics (formerly Invitae), Labcorp
Classification: Uncertain significance for Oligodontia-cancer predisposition syndrome. Last evaluated: 2025-08-04. Review status: criteria provided, single submitter. Criteria: Invitae Variant Classification Sherloc (09022015). Collection method: clinical testing. Allele origin: germline.
Comment: This sequence change replaces histidine, which is basic and polar, with leucine, which is neutral and non-polar, at codon 517 of the AXIN2 protein (p.His517Leu). This variant is present in population databases (rs769644525, gnomAD 0.006%). This variant has not been reported in the literature in individuals affected with AXIN2-related conditions. ClinVar contains an entry for this variant (Variation ID: 1041852). Invitae Evidence Modeling of protein sequence and biophysical properties (such as structural, functional, and spatial information, amino acid conservation, physicochemical variation, residue mobility, and thermodynamic stability) indicates that this missense variant is expected to disrupt AXIN2 protein function with a positive predictive value of 80%. In summary, the available evidence is currently insufficient to determine the role of this variant in disease. Therefore, it has been classified as a Variant of Uncertain Significance.

Ambry Genetics
Classification: Uncertain significance for Hereditary cancer-predisposing syndrome. Last evaluated: 2023-09-14. Review status: criteria provided, single submitter. Criteria: Ambry Variant Classification Scheme 2023. Collection method: clinical testing. Allele origin: germline.
Comment: The p.H517L variant (also known as c.1550A>T), located in coding exon 5 of the AXIN2 gene, results from an A to T substitution at nucleotide position 1550. The histidine at codon 517 is replaced by leucine, an amino acid with similar properties. This amino acid position is conserved. In addition, this alteration is predicted to be deleterious by in silico analysis. Since supporting evidence is limited at this time, the clinical significance of this alteration remains unclear.